The following is an entry in ClinVar:

NM_003072.5(SMARCA4):c.539T>G (p.Leu180Arg)

Gene: SMARCA4 (SWI/SNF related BAF chromatin remodeling complex subunit ATPase 4; plus strand). Cytogenetic location: 19p13.2.
Variant type: single nucleotide variant.
Coding change: c.539T>G on transcript NM_003072.5 (MANE Select); coding-DNA position 539, T replaced by G.
Protein change: p.Leu180Arg; replaces leucine 180 with arginine.
Molecular consequence: missense variant. On other transcripts: non-coding transcript variant (1).
Genome position (GRCh38, 1-based): chr19:10,986,372, T>G. VCF-style: chr19-10986372-T-G. GRCh37 (hg19) VCF-style: chr19-11097048-T-G.
Other names: c.539T>G, p.Leu180Arg (NM_001128844.3, NM_001128845.2, NM_001128846.2 and 6 more transcripts); short protein forms L180R.
Identifiers: ClinVar variation 3900923 (VCV003900923.1).

ClinVar aggregate classification (germline): Uncertain significance (1 of 4 stars; one submission).

Submission:

GeneDx
Classification: Uncertain significance. Last evaluated: 2024-12-02. Review status: criteria provided, single submitter. Criteria: GeneDx Variant Classification Process June 2021. Collection method: clinical testing. Allele origin: germline. Affected: yes.
Comment: Not observed at significant frequency in large population cohorts (gnomAD); In silico analysis supports that this missense variant has a deleterious effect on protein structure/function; Has not been previously published as pathogenic or benign to our knowledge; This variant is associated with the following publications: (PMID: 24658002)